The following is an entry in ClinVar:

NM_000264.5(PTCH1):c.3063C>A (p.Tyr1021Ter)

Gene: PTCH1 (patched 1; minus strand). Cytogenetic location: 9q22.32.
Variant type: single nucleotide variant.
Coding change: c.3063C>A on transcript NM_000264.5 (MANE Select); coding-DNA position 3063, C replaced by A.
Protein change: p.Tyr1021Ter; replaces tyrosine 1021 with a stop codon.
Molecular consequence: nonsense. On other transcripts: non-coding transcript variant (1).
Genome position (GRCh38, 1-based): chr9:95,458,118, G>T on the plus strand (C>A on the coding strand, the complement: PTCH1 is on the minus strand). VCF-style: chr9-95458118-G-T. GRCh37 (hg19) VCF-style: chr9-98220400-G-T.
Other names: c.2865C>A, p.Tyr955Ter (NM_001083602.3); c.3060C>A, p.Tyr1020Ter (NM_001083603.3); c.2610C>A, p.Tyr870Ter (NM_001083604.3, NM_001083605.3, NM_001083606.3 and 1 more transcripts); c.2907C>A, p.Tyr969Ter (NM_001354918.2); short protein forms Y870*, Y955*, Y969*, Y1020*, Y1021*.
Identifiers: ClinVar variation 4726928 (VCV004726928.1).

ClinVar aggregate classification (germline): Pathogenic (1 of 4 stars; one submission).

Conditions:
Gorlin syndrome. Also called: Basal cell nevus syndrome; Nevoid Basal Cell Carcinoma Syndrome. Identifiers: Orphanet 377, MedGen C0004779, MONDO:0007187.

Submission:

Labcorp Genetics (formerly Invitae), Labcorp
Classification: Pathogenic for Gorlin syndrome. Last evaluated: 2025-09-10. Review status: criteria provided, single submitter. Criteria: Invitae Variant Classification Sherloc (09022015). Collection method: clinical testing. Allele origin: germline.
Comment: This sequence change creates a premature translational stop signal (p.Tyr1021*) in the PTCH1 gene. It is expected to result in an absent or disrupted protein product. Loss-of-function variants in PTCH1 are known to be pathogenic (PMID: 16301862, 16419085). This variant is not present in population databases (gnomAD no frequency). This variant has not been reported in the literature in individuals affected with PTCH1-related conditions. Algorithms developed to predict the effect of sequence changes on RNA splicing suggest that this variant may create or strengthen a splice site. For these reasons, this variant has been classified as Pathogenic.

Literature cited by the submitters: PubMed 16301862; PubMed 16419085.